The following is an entry in ClinVar:

NM_000384.3(APOB):c.3176C>T (p.Thr1059Ile)

Gene: APOB (apolipoprotein B; minus strand). Cytogenetic location: 2p24.1.
Variant type: single nucleotide variant.
Coding change: c.3176C>T on transcript NM_000384.3 (MANE Select); coding-DNA position 3176, C replaced by T.
Protein change: p.Thr1059Ile; replaces threonine 1059 with isoleucine.
Molecular consequence: missense variant.
Genome position (GRCh38, 1-based): chr2:21,016,595, G>A on the plus strand (C>T on the coding strand, the complement: APOB is on the minus strand). VCF-style: chr2-21016595-G-A. GRCh37 (hg19) VCF-style: chr2-21239467-G-A.
Other names: short protein forms T1059I.
Identifiers: ClinVar variation 928066 (VCV000928066.7), dbSNP rs1663470792, ClinGen allele CA346009656.
Genomic context (GRCh38, chr2:21,016,595, plus strand): 5'-ACTCTGAGGATTGTTCCGAGGTCAACATCAAAATCCGGAATTTGGACTTCACTGGACAAG[G>A]TCATACTCTGCCGATTATATTTGAATGTCATGGTAGCCTCAGTCTGCTTCGCACCTGGAC-3'
Protein context (NP_000375.3, residues 1049-1069): MTFKYNRQSM[Thr1059Ile]LSSEVQIPDF

ClinVar aggregate classification (germline): Uncertain significance (1 of 4 stars; one submission).

Conditions:
Familial hypobetalipoproteinemia 1. Also called: Hypobetalipoproteinemia, normotriglyceridemic; Acanthocytosis with hypobetalipoproteinemia; APOB-Related Familial Hypobetalipoproteinemia. Identifiers: MedGen C4551990, MONDO:0014252, OMIM 615558.
Hypercholesterolemia, autosomal dominant, type B (FHCL2). Also called: Familial Hypercholesterolemia Type B; HYPERCHOLESTEROLEMIA, FAMILIAL, DUE TO LIGAND-DEFECTIVE APOLIPOPROTEIN B; Familial hypercholesterolemia 2; APOB-Related Familial Hypercholesterolemia, Autosomal Dominant; APOLIPOPROTEIN B-100, FAMILIAL DEFECTIVE; APOLIPOPROTEIN B-100, FAMILIAL LIGAND-DEFECTIVE. Identifiers: MedGen C1704417, MONDO:0007751, OMIM 144010.

Submission:

Labcorp Genetics (formerly Invitae), Labcorp
Classification: Uncertain significance for Familial hypobetalipoproteinemia 1; Hypercholesterolemia, autosomal dominant, type B. Last evaluated: 2023-07-12. Review status: criteria provided, single submitter. Criteria: Invitae Variant Classification Sherloc (09022015). Collection method: clinical testing. Allele origin: germline.
Comment: This sequence change replaces threonine, which is neutral and polar, with isoleucine, which is neutral and non-polar, at codon 1059 of the APOB protein (p.Thr1059Ile). This variant is not present in population databases (gnomAD no frequency). This variant has not been reported in the literature in individuals affected with APOB-related conditions. ClinVar contains an entry for this variant (Variation ID: 928066). Advanced modeling of protein sequence and biophysical properties (such as structural, functional, and spatial information, amino acid conservation, physicochemical variation, residue mobility, and thermodynamic stability) performed at Invitae indicates that this missense variant is not expected to disrupt APOB protein function. In summary, the available evidence is currently insufficient to determine the role of this variant in disease. Therefore, it has been classified as a Variant of Uncertain Significance.